The following is an entry in ClinVar:

ClinVar aggregate classification (germline): Pathogenic. Review status: criteria provided, multiple submitters, no conflicts (2 of 4 stars). 2 submissions from 2 submitters: Pathogenic (2). Last evaluated 2025-12-29.

Conditions:
GM3 synthase deficiency (SPDRS). Also called: SALT AND PEPPER MENTAL RETARDATION SYNDROME; SALT AND PEPPER DEVELOPMENTAL REGRESSION SYNDROME; AMISH INFANTILE EPILEPSY SYNDROME. Identifiers: Orphanet 171714, Orphanet 370933, MedGen C1836824, MONDO:0018274, OMIM 609056.

gnomAD v4.1: 3 of 1,610,956 alleles (0.00019%); highest among the groups gnomAD compares: Admixed American, 0.0017%; no homozygotes.

Submissions (2):

Labcorp Genetics (formerly Invitae), Labcorp
Classification: Pathogenic for GM3 synthase deficiency. Last evaluated: 2025-12-29. Review status: criteria provided, single submitter. Criteria: Invitae Variant Classification Sherloc (09022015). Collection method: clinical testing. Allele origin: germline.
Comment: This sequence change creates a premature translational stop signal (p.Tyr99*) in the ST3GAL5 gene. It is expected to result in an absent or disrupted protein product. Loss-of-function variants in ST3GAL5 are known to be pathogenic (PMID: 15502825, 22990144, 27232954). This variant is not present in population databases (gnomAD no frequency). This variant has not been reported in the literature in individuals affected with ST3GAL5-related conditions. ClinVar contains an entry for this variant (Variation ID: 1073192). Algorithms developed to predict the effect of sequence changes on RNA splicing suggest that this variant may disrupt the consensus splice site. For these reasons, this variant has been classified as Pathogenic.

Women's Health and Genetics/Laboratory Corporation of America, LabCorp
Classification: Pathogenic for GM3 synthase deficiency. Last evaluated: 2024-04-09. Review status: criteria provided, single submitter. Criteria: LabCorp Variant Classification Summary - May 2015. Collection method: clinical testing. Allele origin: germline.
Comment: Variant summary: ST3GAL5 c.297T>G (p.Tyr99X) results in a premature termination codon, predicted to cause a truncation of the encoded protein or absence of the protein due to nonsense mediated decay, which are commonly known mechanisms for disease. The variant was absent in 251214 control chromosomes. To our knowledge, no occurrence of c.297T>G in individuals affected with GM3 synthase deficiency and no experimental evidence demonstrating its impact on protein function have been reported. ClinVar contains an entry for this variant (Variation ID: 1073192). Based on the evidence outlined above, the variant was classified as pathogenic.

Literature cited by the submitters: PubMed 15502825 (cited by Labcorp Genetics (formerly Invitae), Labcorp); PubMed 22990144 (cited by Labcorp Genetics (formerly Invitae), Labcorp); PubMed 27232954 (cited by Labcorp Genetics (formerly Invitae), Labcorp).

NM_003896.4(ST3GAL5):c.297T>G (p.Tyr99Ter)

Gene: ST3GAL5 (ST3 beta-galactoside alpha-2,3-sialyltransferase 5; minus strand). Cytogenetic location: 2p11.2.
Variant type: single nucleotide variant.
Coding change: c.297T>G on transcript NM_003896.4 (MANE Select); coding-DNA position 297, T replaced by G.
Protein change: p.Tyr99Ter; replaces tyrosine 99 with a stop codon.
Molecular consequence: nonsense. On other transcripts: 5 prime UTR variant (5).
Genome position (GRCh38, 1-based): chr2:85,861,202, A>C on the plus strand (T>G on the coding strand, the complement: ST3GAL5 is on the minus strand). VCF-style: chr2-85861202-A-C. GRCh37 (hg19) VCF-style: chr2-86088325-A-C.
Other names: c.228T>G, p.Tyr76Ter (NM_001042437.2); c.-265T>G (NM_001354223.2, NM_001354226.2); c.-328T>G (NM_001354224.2); c.213T>G, p.Tyr71Ter (NM_001354227.2, NM_001354229.2, NM_001354238.1); c.-705T>G (NM_001354233.2); c.-669T>G (NM_001354234.1); c.297T>G, p.Tyr99Ter (NM_001363847.1); short protein forms Y71*, Y76*, Y99*.
Identifiers: ClinVar variation 1073192 (VCV001073192.9), dbSNP rs1423247945, ClinGen allele CA347533959.